The following is an entry in ClinVar:

NM_001148.6(ANK2):c.10691A>T (p.Asp3564Val)

Gene: ANK2 (ankyrin 2; plus strand). Cytogenetic location: 4q26.
Variant type: single nucleotide variant.
Coding change: c.10691A>T on transcript NM_001148.6 (MANE Select); coding-DNA position 10691, A replaced by T.
Protein change: p.Asp3564Val; replaces aspartic acid 3564 with valine.
Molecular consequence: missense variant.
Genome position (GRCh38, 1-based): chr4:113,360,832, A>T. VCF-style: chr4-113360832-A-T. GRCh37 (hg19) VCF-style: chr4-114281988-A-T.
Other names: c.4409A>T, p.Asp1470Val (NM_001127493.3); c.4448A>T, p.Asp1483Val (NM_001354225.2); c.4337A>T, p.Asp1446Val (NM_001354228.2, NM_001354258.2); c.4415A>T, p.Asp1472Val (NM_001354230.2); c.4478A>T, p.Asp1493Val (NM_001354231.2, NM_001354242.2); c.4472A>T, p.Asp1491Val (NM_001354232.2); c.4433A>T, p.Asp1478Val (NM_001354235.2, NM_001354246.2, NM_001354265.2); c.4334A>T, p.Asp1445Val (NM_001354236.2); and 35 more; short protein forms D1318V, D1351V, D1379V, D1384V, D1392V, D1401V, D1404V, D1406V.
Identifiers: ClinVar variation 4086536 (VCV004086536.1).

ClinVar aggregate classification (germline): Uncertain significance (1 of 4 stars; one submission).

Submission:

GeneDx
Classification: Uncertain significance. Last evaluated: 2025-03-10. Review status: criteria provided, single submitter. Criteria: GeneDx Variant Classification Process June 2021. Collection method: clinical testing. Allele origin: germline. Affected: yes.
Comment: Not observed at significant frequency in large population cohorts (gnomAD); In silico analysis supports that this missense variant has a deleterious effect on protein structure/function; Has not been previously published as pathogenic or benign to our knowledge